The following is an entry in ClinVar:

ClinVar aggregate classification (germline): Likely pathogenic (1 of 4 stars; one submission).

Conditions:
Heterotaxy, visceral, 7, autosomal (HTX7). Identifiers: Orphanet 450, MedGen C4225217, MONDO:0014762, OMIM 616749.

Submission:

First Genomix Gene Laboratory, Genetic Diagnostics Department
Classification: Likely pathogenic for Heterotaxy, visceral, 7, autosomal. Last evaluated: 2025-09-29. Review status: criteria provided, single submitter. Criteria: ACMG Guidelines, 2015. Collection method: clinical testing. Allele origin: germline. Inheritance: Autosomal recessive inheritance. Affected: no. Observed: 1 variant allele.

NM_147191.1(MMP21):c.163-1_163delinsCT

Gene: MMP21 (matrix metallopeptidase 21; minus strand). Cytogenetic location: 10q26.2.
Variant type: Indel.
Coding change: c.163-1_163delinsCT on transcript NM_147191.1 (MANE Select); the canonical splice acceptor site of the intron before coding-DNA position 163 through coding-DNA position 163, GC replaced by CT.
Molecular consequence: splice acceptor variant.
Genome position (GRCh38, 1-based): chr10:125,774,365-125,774,366, GC replaced by AG on the plus strand (GC replaced by CT on the coding strand, the reverse complement: MMP21 is on the minus strand). VCF-style: chr10-125774365-GC-AG. GRCh37 (hg19) VCF-style: chr10-127462934-GC-AG.
Identifiers: ClinVar variation 4850464 (VCV004850464.1).